The following is an entry in ClinVar:

NM_013432.5(TONSL):c.1574G>A (p.Arg525Gln)

Genes: TONSL (tonsoku like, DNA repair protein; minus strand), TONSL-AS1 (TONSL antisense RNA 1; plus strand). Cytogenetic location: 8q24.3.
Variant type: single nucleotide variant.
Coding change: c.1574G>A on transcript NM_013432.5 (MANE Select); coding-DNA position 1574, G replaced by A.
Protein change: p.Arg525Gln; replaces arginine 525 with glutamine.
Molecular consequence: missense variant.
Genome position (GRCh38, 1-based): chr8:144,438,550, C>T on the plus strand (G>A on the coding strand, the complement: TONSL is on the minus strand). VCF-style: chr8-144438550-C-T. GRCh37 (hg19) VCF-style: chr8-145663933-C-T.
Other names: short protein forms R525Q.
Identifiers: ClinVar variation 3609545 (VCV003609545.2).

ClinVar aggregate classification (germline): Uncertain significance (1 of 4 stars; one submission).

gnomAD v4.1: 11 of 1,613,018 alleles (0.00068%); highest among the groups gnomAD compares: East Asian, 0.0022%; no homozygotes.

Submission:

Labcorp Genetics (formerly Invitae), Labcorp
Classification: Uncertain significance. Last evaluated: 2025-02-03. Review status: criteria provided, single submitter. Criteria: Invitae Variant Classification Sherloc (09022015). Collection method: clinical testing. Allele origin: germline.
Comment: This sequence change replaces arginine, which is basic and polar, with glutamine, which is neutral and polar, at codon 525 of the TONSL protein (p.Arg525Gln). This variant is present in population databases (rs749525244, gnomAD 0.0009%). This variant has not been reported in the literature in individuals affected with TONSL-related conditions. Invitae Evidence Modeling of protein sequence and biophysical properties (such as structural, functional, and spatial information, amino acid conservation, physicochemical variation, residue mobility, and thermodynamic stability) indicates that this missense variant is expected to disrupt TONSL protein function with a positive predictive value of 80%. In summary, the available evidence is currently insufficient to determine the role of this variant in disease. Therefore, it has been classified as a Variant of Uncertain Significance.